The following is an entry in ClinVar:

ClinVar aggregate classification (germline): Uncertain significance (1 of 4 stars; one submission).

Conditions:
Autosomal recessive severe congenital neutropenia due to CSF3R deficiency. Also called: Neutropenia, severe congenital, 7, autosomal recessive. Identifiers: Orphanet 420702, MedGen C4310764, MONDO:0014865, OMIM 617014.

Submission:

Labcorp Genetics (formerly Invitae), Labcorp
Classification: Uncertain significance for Autosomal recessive severe congenital neutropenia due to CSF3R deficiency. Last evaluated: 2025-11-20. Review status: criteria provided, single submitter. Criteria: Invitae Variant Classification Sherloc (09022015). Collection method: clinical testing. Allele origin: germline.
Comment: This sequence change replaces tyrosine, which is neutral and polar, with aspartic acid, which is acidic and polar, at codon 596 of the CSF3R protein (p.Tyr596Asp). This variant is not present in population databases (gnomAD no frequency). This variant has not been reported in the literature in individuals affected with CSF3R-related conditions. Invitae Evidence Modeling of protein sequence and biophysical properties (such as structural, functional, and spatial information, amino acid conservation, physicochemical variation, residue mobility, and thermodynamic stability) indicates that this missense variant is expected to disrupt CSF3R protein function with a positive predictive value of 80%. In summary, the available evidence is currently insufficient to determine the role of this variant in disease. Therefore, it has been classified as a Variant of Uncertain Significance.

NM_000760.4(CSF3R):c.1786T>G (p.Tyr596Asp)

Gene: CSF3R (colony stimulating factor 3 receptor; minus strand). Cytogenetic location: 1p34.3.
Variant type: single nucleotide variant.
Coding change: c.1786T>G on transcript NM_000760.4 (MANE Select); coding-DNA position 1786, T replaced by G.
Protein change: p.Tyr596Asp; replaces tyrosine 596 with aspartic acid.
Molecular consequence: missense variant.
Genome position (GRCh38, 1-based): chr1:36,467,900, A>C on the plus strand (T>G on the coding strand, the complement: CSF3R is on the minus strand). VCF-style: chr1-36467900-A-C. GRCh37 (hg19) VCF-style: chr1-36933501-A-C.
Other names: c.1786T>G, p.Tyr596Asp (NM_156039.3, NM_172313.3); short protein forms Y596D.
Identifiers: ClinVar variation 4744517 (VCV004744517.1).